The following is an entry in ClinVar:

ClinVar aggregate classification (germline): Conflicting classifications of pathogenicity. Review status: criteria provided, conflicting classifications (1 of 4 stars). 2 submissions from 2 submitters: Uncertain significance (1); Benign (1). Last evaluated 2023-05-20.

Conditions:
Developmental and epileptic encephalopathy, 24 (DEE24). Also called: Epileptic encephalopathy, early infantile, 24. Identifiers: Orphanet 442835, MedGen C4014531, MONDO:0014377, OMIM 615871.
Early-infantile DEE. Also called: Early infantile epileptic encephalopathy; Early infantile epileptic encephalopathy with suppression bursts; Ohtahara syndrome. Identifiers: Orphanet 1934, MedGen C0393706, MONDO:0800491.

gnomAD v4.1: 10 of 1,423,114 alleles (0.0007%); highest among the groups gnomAD compares: South Asian, 0.014%; no homozygotes.

Submissions (2):

Neuberg Centre For Genomic Medicine, NCGM
Classification: Uncertain significance for Developmental and epileptic encephalopathy, 24. Last evaluated: 2023-05-20. Review status: criteria provided, single submitter. Criteria: ACMG Guidelines, 2015. Collection method: clinical testing. Allele origin: germline. Inheritance: Autosomal dominant inheritance. Affected: yes.
Comment: The observed missense variant c.159C>A(p.His53Gln) in HCN1 gene has not been reported previously as a pathogenic variant nor as a benign variant, to our knowledge. The c.159C>A variant has 0 frequency in gnomAD Exomes. Computational evidence (Polyphen, SIFT and MutationTaster) predicts conflicting evidence on protein structure and function for this variant.The amino acid Histidine at position 53 is changed to a Glutamine changing protein sequence and it might alter its composition and physico-chemical properties. For these reasons, this variant has been classified as Uncertain Significance.

Labcorp Genetics (formerly Invitae), Labcorp
Classification: Benign for Early-infantile DEE. Last evaluated: 2022-12-13. Review status: criteria provided, single submitter. Criteria: Invitae Variant Classification Sherloc (09022015). Collection method: clinical testing. Allele origin: germline.

NM_021072.4(HCN1):c.159C>A (p.His53Gln)

Gene: HCN1 (hyperpolarization activated cyclic nucleotide gated potassium channel 1; minus strand). Cytogenetic location: 5p12.
Variant type: single nucleotide variant.
Coding change: c.159C>A on transcript NM_021072.4 (MANE Select); coding-DNA position 159, C replaced by A.
Protein change: p.His53Gln; replaces histidine 53 with glutamine.
Molecular consequence: missense variant.
Genome position (GRCh38, 1-based): chr5:45,695,935, G>T on the plus strand (C>A on the coding strand, the complement: HCN1 is on the minus strand). VCF-style: chr5-45695935-G-T. GRCh37 (hg19) VCF-style: chr5-45696037-G-T.
Other names: short protein forms H53Q.
Identifiers: ClinVar variation 2724937 (VCV002724937.4), dbSNP rs10066808, ClinGen allele CA359706627.